The following is an entry in ClinVar:

NM_001040108.2(MLH3):c.3715+1G>A

Gene: MLH3 (mutL homolog 3; minus strand). Cytogenetic location: 14q24.3.
Variant type: single nucleotide variant.
Coding change: c.3715+1G>A on transcript NM_001040108.2 (MANE Select); the canonical splice donor site of the intron after coding-DNA position 3715, G replaced by A.
Molecular consequence: splice donor variant. On other transcripts: intron variant (1).
Genome position (GRCh38, 1-based): chr14:75,033,418, C>T on the plus strand (G>A on the coding strand, the complement: MLH3 is on the minus strand). VCF-style: chr14-75033418-C-T. GRCh37 (hg19) VCF-style: chr14-75500121-C-T.
Other names: c.3644-1239G>A (NM_014381.3).
Identifiers: ClinVar variation 642541 (VCV000642541.7), dbSNP rs1595056532, ClinGen allele CA390425228.
Genomic context (GRCh38, chr14:75,033,418, plus strand): 5'-TTGAGGTGTACTGATTCTGCTGGGAGTCTCAAATTTTTTCTGGCTGCAAACAGATCCTTA[C>T]CAATGATAAGCTGCTCCAGACGTATACGCTCATGGGCAGCGTGCTGATCCACCAGCACGA-3'

ClinVar aggregate classification (germline): Uncertain significance (1 of 4 stars; one submission).

Conditions:
Colorectal cancer, hereditary nonpolyposis, type 7. Identifiers: Orphanet 144, MedGen C1858380, MONDO:0013725, OMIM 614385.

Allele frequency attached by ClinVar (database versions not stated): gnomAD exomes below 0.00001.
gnomAD v4.1: 1 of 1,614,002 alleles (0.000062%); highest among the groups gnomAD compares: Non-Finnish European, 0.000085%; no homozygotes.

Submission:

Labcorp Genetics (formerly Invitae), Labcorp
Classification: Uncertain significance for Colorectal cancer, hereditary nonpolyposis, type 7. Last evaluated: 2024-03-06. Review status: criteria provided, single submitter. Criteria: Invitae Variant Classification Sherloc (09022015). Collection method: clinical testing. Allele origin: germline.
Comment: This sequence change affects a donor splice site in intron 7 of the MLH3 gene. It is expected to disrupt RNA splicing. Variants that disrupt the donor or acceptor splice site typically lead to a loss of protein function (PMID: 16199547), however the current clinical and genetic evidence is not sufficient to establish whether loss-of-function variants in MLH3 cause disease. This variant is not present in population databases (gnomAD no frequency). This variant has not been reported in the literature in individuals affected with MLH3-related conditions. ClinVar contains an entry for this variant (Variation ID: 642541). Algorithms developed to predict the effect of sequence changes on RNA splicing suggest that this variant may disrupt the consensus splice site. In summary, the available evidence is currently insufficient to determine the role of this variant in disease. Therefore, it has been classified as a Variant of Uncertain Significance.

Literature cited by the submitters: PubMed 16199547.